The following is an entry in ClinVar:

ClinVar aggregate classification (germline): Uncertain significance (1 of 4 stars; one submission).

Conditions:
Epileptic encephalopathy. Identifiers: MedGen C0543888, HP:0200134.

Allele frequency attached by ClinVar (database versions not stated): ExAC 0.00001; gnomAD exomes 0.00001; gnomAD 0.00004; TOPMed 0.00006.
gnomAD v4.1: 9 of 1,613,524 alleles (0.00056%); highest among the groups gnomAD compares: African/African-American, 0.012%; no homozygotes.

Submission:

Labcorp Genetics (formerly Invitae), Labcorp
Classification: Uncertain significance for Epileptic encephalopathy. Last evaluated: 2020-01-24. Review status: criteria provided, single submitter. Criteria: Invitae Variant Classification Sherloc (09022015). Collection method: clinical testing. Allele origin: germline.
Comment: This sequence change replaces arginine with methionine at codon 3088 of the RYR3 protein (p.Arg3088Met). The arginine residue is highly conserved and there is a moderate physicochemical difference between arginine and methionine. This variant is present in population databases (rs780806800, ExAC 0.01%). This variant has not been reported in the literature in individuals with RYR3-related disease. Algorithms developed to predict the effect of missense changes on protein structure and function are either unavailable or do not agree on the potential impact of this missense change (SIFT: "Deleterious"; PolyPhen-2: "Probably Damaging"; Align-GVGD: "Class C0"). In summary, the available evidence is currently insufficient to determine the role of this variant in disease. Therefore, it has been classified as a Variant of Uncertain Significance.

NM_001036.6(RYR3):c.9263G>T (p.Arg3088Met)

Gene: RYR3 (ryanodine receptor 3; plus strand). Cytogenetic location: 15q14.
Variant type: single nucleotide variant.
Coding change: c.9263G>T on transcript NM_001036.6 (MANE Select); coding-DNA position 9263, G replaced by T.
Protein change: p.Arg3088Met; replaces arginine 3088 with methionine.
Molecular consequence: missense variant.
Genome position (GRCh38, 1-based): chr15:33,780,336, G>T. VCF-style: chr15-33780336-G-T. GRCh37 (hg19) VCF-style: chr15-34072537-G-T.
Other names: c.9263G>T, p.Arg3088Met (NM_001243996.4); short protein forms R3088M.
Identifiers: ClinVar variation 571697 (VCV000571697.8), dbSNP rs780806800, ClinGen allele CA7460467.